The following is an entry in ClinVar:

ClinVar aggregate classification (germline): Uncertain significance (0 of 4 stars; one submission).

Conditions:
SETD5-related disorder. Also called: SETD5-related disorders; SETD5-related condition.

gnomAD v4.1: 1 of 1,614,026 alleles (0.000062%); highest among the groups gnomAD compares: African/African-American, 0.0013%; no homozygotes.

Submission:

PreventionGenetics, part of Exact Sciences
Classification: Uncertain significance for SETD5-related condition. Last evaluated: 2024-05-09. Review status: no assertion criteria provided. Collection method: clinical testing. Allele origin: germline.
Comment: The SETD5 c.4163C>T variant is predicted to result in the amino acid substitution p.Thr1388Ile. To our knowledge, this variant has not been reported in the literature or in a large population database, indicating this variant is rare. At this time, the clinical significance of this variant is uncertain due to the absence of conclusive functional and genetic evidence.

NM_001080517.3(SETD5):c.4163C>T (p.Thr1388Ile)

Gene: SETD5 (SET domain containing 5; plus strand). Cytogenetic location: 3p25.3.
Variant type: single nucleotide variant.
Coding change: c.4163C>T on transcript NM_001080517.3 (MANE Select); coding-DNA position 4163, C replaced by T.
Protein change: p.Thr1388Ile; replaces threonine 1388 with isoleucine.
Molecular consequence: missense variant.
Genome position (GRCh38, 1-based): chr3:9,475,925, C>T. VCF-style: chr3-9475925-C-T. GRCh37 (hg19) VCF-style: chr3-9517609-C-T.
Other names: c.3869C>T, p.Thr1290Ile (NM_001292043.2, NM_001349451.2); short protein forms T1290I, T1388I.
Identifiers: ClinVar variation 3355944 (VCV003355944.1).